The following is an entry in ClinVar:

NM_002693.3(POLG):c.784C>T (p.Gln262Ter)

Gene: POLG (DNA polymerase gamma, catalytic subunit; minus strand). Cytogenetic location: 15q26.1.
Variant type: single nucleotide variant.
Coding change: c.784C>T on transcript NM_002693.3 (MANE Select); coding-DNA position 784, C replaced by T.
Protein change: p.Gln262Ter; replaces glutamine 262 with a stop codon.
Molecular consequence: nonsense.
Genome position (GRCh38, 1-based): chr15:89,330,152, G>A on the plus strand (C>T on the coding strand, the complement: POLG is on the minus strand). VCF-style: chr15-89330152-G-A. GRCh37 (hg19) VCF-style: chr15-89873383-G-A.
Other names: c.784C>T, p.Gln262Ter (NM_001126131.2); short protein forms Q262*.
Identifiers: ClinVar variation 5013202 (VCV005013202.1).
Genomic context (GRCh38, chr15:89,330,152, plus strand): 5'-ACTGCTCCCTGATATGAGCTCGGTCAAAGGAAACATTGTGCCCCACCACTAACTGCTCCT[G>A]CCAGTCTCTCTGGGTGGGGCTGCTGGCACCAGTAGGGACCTCCAGGGGGATGAGGTCAGC-3'

ClinVar aggregate classification (germline): Pathogenic (1 of 4 stars; one submission).

Conditions:
POLG-related disorder. Also called: POLG-Related Spectrum Disorders; POLG-related condition; POLG-Related Disorders. Identifiers: MedGen C4763519.

Submission:

Myriad Genetics, Inc.
Classification: Pathogenic for POLG-related disorder. Last evaluated: 2024-06-18. Review status: criteria provided, single submitter. Criteria: Myriad Autosomal Dominant, Autosomal Recessive and X-Linked Classification Criteria (2023). Collection method: clinical testing. Allele origin: unknown.
Comment: NM_002693.2(POLG):c.784C>T(Q262*) is expected to be pathogenic in the context of POLG-related disorders. This variant is predicted to lead to an abnormal or absent protein product due to the creation of a premature termination codon in POLG, a gene where loss-of-function variants are known to be pathogenic. Please note: this variant was assessed in the context of healthy population screening.